The following is an entry in ClinVar:

NM_001276345.2(TNNT2):c.260C>T (p.Pro87Leu)

Gene: TNNT2 (troponin T2, cardiac type; minus strand). Cytogenetic location: 1q32.1.
Variant type: single nucleotide variant.
Coding change: c.260C>T on transcript NM_001276345.2 (MANE Select); coding-DNA position 260, C replaced by T.
Protein change: p.Pro87Leu; replaces proline 87 with leucine.
Molecular consequence: missense variant.
Genome position (GRCh38, 1-based): chr1:201,365,644, G>A on the plus strand (C>T on the coding strand, the complement: TNNT2 is on the minus strand). VCF-style: chr1-201365644-G-A. GRCh37 (hg19) VCF-style: chr1-201334772-G-A.
Other names: c.260C>T, p.Pro87Leu (NM_000364.4); c.230C>T, p.Pro77Leu (NM_001001430.3, NM_001001431.3, NM_001276347.2); c.215C>T, p.Pro72Leu (NM_001001432.3); c.257C>T, p.Pro86Leu (NM_001276346.2); short protein forms P77L, P87L, P86L, P72L.
Identifiers: ClinVar variation 43619 (VCV000043619.29), dbSNP rs144900708, ClinGen allele CA089970.

ClinVar aggregate classification (germline): Uncertain significance. Review status: criteria provided, multiple submitters, no conflicts (2 of 4 stars). 14 submissions from 12 submitters: Uncertain significance (11). 3 of the submissions do not count toward it. Last evaluated 2026-01-27.

Conditions:
TNNT2-related disorder. Also called: TNNT2-related condition.
Cardiovascular phenotype. Identifiers: MedGen CN230736.
Hypertrophic cardiomyopathy 2. Also called: TNNT2-Related Familial Hypertrophic Cardiomyopathy. Identifiers: MedGen C1861864, MONDO:0007266, OMIM 115195.
Dilated cardiomyopathy 1D. Identifiers: Orphanet 154, Orphanet 54260, MedGen C1832243, MONDO:0011095, OMIM 601494.
Cardiomyopathy, familial restrictive, 3. Identifiers: Orphanet 75249, MedGen C2676271, MONDO:0012900, OMIM 612422.
Cardiomyopathy (CMYO). Also called: Cardiomyopathies. Identifiers: Orphanet 167848, MedGen C0878544, MONDO:0004994, HP:0001638. Inheritance: Various modes of inheritance.
Primary familial hypertrophic cardiomyopathy (HCM). Identifiers: Orphanet 99739, MedGen C0949658, MeSH D024741, MONDO:0024573. Inheritance: Various modes of inheritance.

Allele frequency attached by ClinVar (database versions not stated): gnomAD 0.00001 and 0.00002; ExAC 0.00003; gnomAD exomes 0.00004 and 0.00002; TOPMed 0.00004; ESP Exome Variant Server 0.00008.
gnomAD v4.1: 33 of 1,613,898 alleles (0.002%); highest among the groups gnomAD compares: Admixed American, 0.013%; no homozygotes.

Submissions (14):

Labcorp Genetics (formerly Invitae), Labcorp
Classification: Uncertain significance for Cardiomyopathy, familial restrictive, 3; Hypertrophic cardiomyopathy 2; Dilated cardiomyopathy 1D. Last evaluated: 2026-01-27. Review status: criteria provided, single submitter. Criteria: Invitae Variant Classification Sherloc (09022015). Collection method: clinical testing. Allele origin: germline.
Comment: This sequence change replaces proline, which is neutral and non-polar, with leucine, which is neutral and non-polar, at codon 77 of the TNNT2 protein (p.Pro77Leu). This variant is present in population databases (rs144900708, gnomAD 0.02%). This missense change has been observed in individual(s) with peripartum cardiomyopathy and dilated cardiomyopathy and/or TNNT2-related conditions (PMID: 11560853, 20530761, 29447731, 37904629; internal data). This variant is also known as p.Pro87Leu. ClinVar contains an entry for this variant (Variation ID: 43619). Invitae Evidence Modeling of protein sequence and biophysical properties (such as structural, functional, and spatial information, amino acid conservation, physicochemical variation, residue mobility, and thermodynamic stability) indicates that this missense variant is not expected to disrupt TNNT2 protein function with a negative predictive value of 80%. Experimental studies have shown that this missense change does not substantially affect TNNT2 function (PMID: 33025817). In summary, the available evidence is currently insufficient to determine the role of this variant in disease. Therefore, it has been classified as a Variant of Uncertain Significance.

PreventionGenetics, part of Exact Sciences
Classification: Uncertain significance for TNNT2-related condition. Last evaluated: 2025-07-18. Review status: criteria provided, single submitter. Criteria: ACMG Guidelines, 2015. Collection method: clinical testing. Allele origin: germline.
Comment: The TNNT2 c.230C>T variant is predicted to result in the amino acid substitution p.Pro77Leu. This variant has been reported in an individual diagnosed with hypertrophic cardiomyopathy after sudden cardiac death (Varnava et al. 2001. PubMed ID: 11560853). This variant, also described as p.Pro87Leu, has also been reported in two members of a family with left ventricular noncompaction cardiomyopathy (Hoedemaekers et al. 2010. PubMed ID: 20530761). An in vitro reporter assay did not demonstrate a significant difference between this variant and wildtype (Figure 4G, Pettinato et al. 2020. PubMed ID: 33025817). This variant is reported in 0.017% of alleles in individuals of Latino descent in gnomAD, and has been consistently interpreted as uncertain by several laboratories in the ClinVar database. At this time, the clinical significance of this variant is uncertain due to the absence of conclusive functional and genetic evidence.

GeneDx
Classification: Uncertain significance. Last evaluated: 2025-04-25. Review status: criteria provided, single submitter. Criteria: GeneDx Variant Classification Process June 2021. Collection method: clinical testing. Allele origin: germline. Affected: yes.
Comment: Reported in an individual with sudden cardiac death in adulthood (PMID: 11560853); In silico analysis supports that this missense variant has a deleterious effect on protein structure/function; This variant is associated with the following publications: (PMID: 23299917, 19914256, 34426522, 33025817, 25637381, 11560853, 20530761)

Color Diagnostics, LLC DBA Color Health
Classification: Uncertain significance for Cardiomyopathy. Last evaluated: 2024-11-18. Review status: criteria provided, single submitter. Criteria: ACMG Guidelines, 2015. Collection method: clinical testing. Allele origin: germline.
Comment: This missense variant replaces proline with leucine at codon 77 of the TNNT2 protein. Computational prediction tool is inconclusive regarding the impact of this variant on protein structure and function. An in vitro functional study using a reporter assay system has shown that this variant does not significantly alter TNNT2 activity (PMID: 33025817). This variant has been reported in an individual affected with hypertrophic cardiomyopathy with sudden cardiac death (PMID: 11560853), in an individual affected with left ventricular noncompaction (PMID: 20530761, 29447731, 33500567), and in individuals affected with dilated cardiomyopathy (PMID: 37904629, 38612618). This variant has been identified in 10/251110 chromosomes in the general population by the Genome Aggregation Database (gnomAD). The available evidence is insufficient to determine the role of this variant in disease conclusively. Therefore, this variant is classified as a Variant of Uncertain Significance.

All of Us Research Program, National Institutes of Health
Classification: Uncertain significance for Cardiomyopathy. Last evaluated: 2024-02-05. Review status: criteria provided, single submitter. Criteria: ACMG Guidelines, 2015. Collection method: clinical testing. Allele origin: germline. Inheritance: Autosomal dominant inheritance. Observed: 7 variant alleles, 7 heterozygotes.
Comment: This missense variant replaces proline with leucine at codon 77 of the TNNT2 protein. Computational prediction suggests that this variant may have a deleterious impact on protein structure and function (internally defined REVEL score threshold >= 0.7, PMID: 27666373). To our knowledge, functional studies have not been reported for this variant. This variant has been reported in an individual affected with hypertrophic cardiomyopathy and sudden cardiac death (PMID: 11560853) and in an individual affected with left ventricular noncompaction cardiomyopathy (PMID: 20530761). This variant has been identified in 10/251110 chromosomes in the general population by the Genome Aggregation Database (gnomAD). The available evidence is insufficient to determine the role of this variant in disease conclusively. Therefore, this variant is classified as a Variant of Uncertain Significance.

This study involves interpretation of variants in research participants for the purpose of population health screening. Participant phenotype was not available at the time of variant classification. Additional details can be found in publication PMID: 35346344, PMCID: PMC8962531

Genome-Nilou Lab
Classification: Uncertain significance for Dilated cardiomyopathy 1D. Last evaluated: 2023-04-11. Review status: criteria provided, single submitter. Criteria: ACMG Guidelines, 2015. Collection method: clinical testing. Allele origin: germline. Affected: no.

Genome-Nilou Lab
Classification: Uncertain significance for Cardiomyopathy, familial restrictive, 3. Last evaluated: 2023-04-11. Review status: criteria provided, single submitter. Criteria: ACMG Guidelines, 2015. Collection method: clinical testing. Allele origin: germline. Affected: no.

Genome-Nilou Lab
Classification: Uncertain significance for Hypertrophic cardiomyopathy 2. Last evaluated: 2023-04-11. Review status: criteria provided, single submitter. Criteria: ACMG Guidelines, 2015. Collection method: clinical testing. Allele origin: germline. Affected: no.

Ambry Genetics
Classification: Uncertain significance for Cardiovascular phenotype. Last evaluated: 2021-12-07. Review status: criteria provided, single submitter. Criteria: Ambry Variant Classification Scheme 2023. Collection method: clinical testing. Allele origin: germline.

Fulgent Genetics
Classification: Uncertain significance for Hypertrophic cardiomyopathy 2; Dilated cardiomyopathy 1D; Cardiomyopathy, familial restrictive, 3. Last evaluated: 2021-09-08. Review status: criteria provided, single submitter. Criteria: ACMG Guidelines, 2015. Collection method: clinical testing. Allele origin: unknown.

Laboratory for Molecular Medicine, Mass General Brigham Personalized Medicine
Classification: Uncertain significance. Last evaluated: 2012-10-03. Review status: criteria provided, single submitter. Criteria: LMM Criteria. Collection method: clinical testing. Allele origin: germline. Observed: 1 variant allele.
Comment: The Pro77Leu variant in TNNT2 has been identified in 1 individual with HCM/SCD ( Varnava 2001) as well as in 1/8600 European American chromosomes from a broad po pulation by the NHLBI Exome Sequencing Project (dbSNP rs144900708). Proline (Pro) at position 77 is conserved in mammals and some evolutionarily distant species, but frog and stickleback carry a leucine (L eu; this variant) at this position suggesting that this change may be tolerated. Other computational analyses (biochemical amino acid properties, AlignGVGD, Pol yPhen2, and SIFT) suggest that this variant may not impact the protein, though t his information is not predictive enough to rule out pathogenicity. Additional s tudies are needed to fully assess the clinical significance of this variant.

CSER _CC_NCGL, University of Washington
Classification: Uncertain significance for Cardiomyopathy, hypertrophic. Last evaluated: 2014-06-01. Review status: no assertion criteria provided. Collection method: research. Allele origin: germline. Inheritance: Autosomal dominant inheritance. Study: ESP 6500 variant annotation. Not counted in ClinVar's aggregate classification.
Comment: Variants classified for the Actionable exomic incidental findings in 6503 participants: challenges of variant classification manuscript

Clinical Genetics DNA and cytogenetics Diagnostics Lab, Erasmus MC, Erasmus Medical Center
Classification: Uncertain significance. Review status: no assertion criteria provided. Collection method: clinical testing. Allele origin: germline. Affected: yes. Study: VKGL Data-share Consensus. Not counted in ClinVar's aggregate classification.

Clinical Genetics, Academic Medical Center
Classification: Uncertain significance. Review status: no assertion criteria provided. Collection method: clinical testing. Allele origin: germline. Affected: yes. Study: VKGL Data-share Consensus. Not counted in ClinVar's aggregate classification.

Literature cited by the submitters: PubMed 11560853 (cited by 3 submitters); PubMed 20530761 (cited by 3 submitters); PubMed 29447731 (cited by Labcorp Genetics (formerly Invitae), Labcorp and Color Diagnostics, LLC DBA Color Health); PubMed 37904629 (cited by Labcorp Genetics (formerly Invitae), Labcorp and Color Diagnostics, LLC DBA Color Health); PubMed 33025817 (cited by Labcorp Genetics (formerly Invitae), Labcorp and Color Diagnostics, LLC DBA Color Health); PubMed 33500567 (cited by Color Diagnostics, LLC DBA Color Health); PubMed 38612618 (cited by Color Diagnostics, LLC DBA Color Health).